The following is an entry in ClinVar:

ClinVar aggregate classification (germline): Pathogenic. Review status: reviewed by expert panel (3 of 4 stars). 3 submissions from 3 submitters: Pathogenic (1). 2 of the submissions do not count toward it. Last evaluated 2016-09-08.

Conditions:
Hereditary breast ovarian cancer syndrome. Also called: Hereditary breast and ovarian cancer; Breast and ovarian cancer; Hereditary breast and/or ovarian cancer syndrome; BRCA1- and BRCA2-Associated Hereditary Breast and Ovarian Cancer; Hereditary breast and ovarian cancer syndrome; Hereditary breast and ovarian cancer syndrome (HBOC). Identifiers: Orphanet 145, MedGen C0677776, MeSH D061325, MONDO:0003582. Disease mechanism: loss of function.
Breast-ovarian cancer, familial, susceptibility to, 2 (BROVCA2). Also called: BRCA2 Hereditary Breast and Ovarian Cancer. Identifiers: Orphanet 145, MedGen C2675520, MONDO:0012933, OMIM 612555. Disease mechanism: loss of function.

Submissions (3):

Evidence-based Network for the Interpretation of Germline Mutant Alleles (ENIGMA)
Classification: Pathogenic for Breast-ovarian cancer, familial, susceptibility to, 2. Last evaluated: 2016-09-08. Review status: reviewed by expert panel. Criteria: ENIGMA BRCA1/2 Classification Criteria (2015). Collection method: curation. Allele origin: germline.
Comment: Variant allele predicted to encode a truncated non-functional protein.

Laboratory for Molecular Medicine, Mass General Brigham Personalized Medicine
Classification: Likely pathogenic for Hereditary breast ovarian cancer syndrome. Last evaluated: 2021-07-15. Review status: criteria provided, single submitter. Criteria: ACMG Guidelines, 2015. Collection method: clinical testing. Allele origin: germline. Not counted in ClinVar's aggregate classification.
Comment: The p.Glu1927X variant in BRCA2 has not been previously reported in individuals with BRCA2-associated cancers nor in large population studies. This nonsense variant leads to a premature termination codon at position 1927, which is predicted to lead to a truncated or absent protein. Loss of function of the BRCA2 gene is an established disease mechanism in autosomal dominant hereditary breast and ovarian cancer (HBOC). Additionally, this variant was classified as pathogenic on Sept 08, 2016 by the ClinGen-approved ENIGMA expert panel (ClinVar: SCV000300932.2). In summary, although additional studies are required to fully establish its clinical significance, this variant meets criteria to be classified as likely pathogenic for autosomal dominant HBOC. ACMG/AMP Criteria applied: PVS1, PM2_Supporting.

Labcorp Genetics (formerly Invitae), Labcorp
Classification: Pathogenic for Hereditary breast ovarian cancer syndrome. Last evaluated: 2020-02-19. Review status: criteria provided, single submitter. Criteria: Invitae Variant Classification Sherloc (09022015). Collection method: clinical testing. Allele origin: germline. Not counted in ClinVar's aggregate classification.
Comment: For these reasons, this variant has been classified as Pathogenic. Loss-of-function variants in BRCA2 are known to be pathogenic (PMID: 20104584). This variant has been reported in individuals in the Leiden Open-source Variation Database (PMID: 21520333). ClinVar contains an entry for this variant (Variation ID: 254565). This variant is not present in population databases (ExAC no frequency). This sequence change creates a premature translational stop signal (p.Glu1927*) in the BRCA2 gene. It is expected to result in an absent or disrupted protein product.

Literature cited by the submitters: PubMed 20104584 (cited by Labcorp Genetics (formerly Invitae), Labcorp); PubMed 21520333 (cited by Labcorp Genetics (formerly Invitae), Labcorp).

NM_000059.4(BRCA2):c.5779G>T (p.Glu1927Ter)

Gene: BRCA2 (BRCA2 DNA repair associated; plus strand). Cytogenetic location: 13q13.1.
Variant type: single nucleotide variant.
Coding change: c.5779G>T on transcript NM_000059.4 (MANE Select); coding-DNA position 5779, G replaced by T.
Protein change: p.Glu1927Ter; replaces glutamic acid 1927 with a stop codon.
Molecular consequence: nonsense.
Genome position (GRCh38, 1-based): chr13:32,340,134, G>T. VCF-style: chr13-32340134-G-T. GRCh37 (hg19) VCF-style: chr13-32914271-G-T.
Other names: short protein forms E1927*.
Identifiers: ClinVar variation 254565 (VCV000254565.14), dbSNP rs886038131, ClinGen allele CA10586544.